The following is an entry in ClinVar:

ClinVar aggregate classification (germline): Uncertain significance (1 of 4 stars; one submission).

Conditions:
Spastic paraplegia. Identifiers: MedGen C0037772, HP:0001258.

Submission:

Labcorp Genetics (formerly Invitae), Labcorp
Classification: Uncertain significance for Spastic paraplegia. Last evaluated: 2025-06-20. Review status: criteria provided, single submitter. Criteria: Invitae Variant Classification Sherloc (09022015). Collection method: clinical testing. Allele origin: germline.
Comment: This sequence change replaces glutamic acid, which is acidic and polar, with methionine, which is neutral and non-polar, at codon 156 of the GJC2 protein (p.Glu156Met). Information on the frequency of this variant in the gnomAD database is not available, as this variant may be reported differently in the database. This variant has not been reported in the literature in individuals affected with GJC2-related conditions. ClinVar contains an entry for this variant (Variation ID: 644728). An algorithm developed to predict the effect of missense changes on protein structure and function (PolyPhen-2) suggests that this variant is likely to be disruptive. In summary, the available evidence is currently insufficient to determine the role of this variant in disease. Therefore, it has been classified as a Variant of Uncertain Significance.

NM_020435.4(GJC2):c.466_467delinsAT (p.Glu156Met)

Gene: GJC2 (gap junction protein gamma 2; plus strand). Cytogenetic location: 1q42.13.
Variant type: Indel.
Coding change: c.466_467delinsAT on transcript NM_020435.4 (MANE Select); coding-DNA positions 466 to 467, GA replaced by AT.
Protein change: p.Glu156Met; replaces glutamic acid 156 with methionine.
Molecular consequence: missense variant.
Genome position (GRCh38, 1-based): chr1:228,158,224-228,158,225, GA replaced by AT. VCF-style: chr1-228158224-GA-AT. GRCh37 (hg19) VCF-style: chr1-228345925-GA-AT.
Other names: short protein forms E156M.
Identifiers: ClinVar variation 644728 (VCV000644728.10), dbSNP rs1571907790, ClinGen allele CA915942052.
Genomic context (GRCh38, chr1:228,158,224, plus strand): 5'-CCTGAGCCCGCCGACCTGGGCGAGGAGGAGCCCATGCTGGGCCTGGGCGAGGAGGAGGAG[GA>AT]GGAGGAGACGGGGGCAGCCGAGGGCGCCGGCGAGGAAGCGGAGGAGGCAGGCGCGGAGGA-3'
Protein context (NP_065168.2, residues 146-166): PMLGLGEEEE[Glu156Met]EETGAAEGAG